The following is an entry in ClinVar:

NM_000090.4(COL3A1):c.621G>A (p.Gly207=)

Gene: COL3A1 (collagen type III alpha 1 chain; plus strand). Cytogenetic location: 2q32.2.
Variant type: single nucleotide variant.
Coding change: c.621G>A on transcript NM_000090.4 (MANE Select); coding-DNA position 621, G replaced by A.
Protein change: p.Gly207=; no amino-acid change (glycine 207 retained).
Molecular consequence: synonymous variant.
Genome position (GRCh38, 1-based): chr2:188,988,628, G>A. VCF-style: chr2-188988628-G-A. GRCh37 (hg19) VCF-style: chr2-189853354-G-A.
Identifiers: ClinVar variation 529330 (VCV000529330.15), dbSNP rs779352711, ClinGen allele CA076739.

ClinVar aggregate classification (germline): Likely benign. Review status: criteria provided, multiple submitters, no conflicts (2 of 4 stars). 4 submissions from 4 submitters: Likely benign (4). Last evaluated 2025-08-09.

Conditions:
Ehlers-Danlos syndrome, type 4 (EDSVASC). Also called: Ehlers-Danlos syndrome vascular type; Ehlers Danlos syndrome, ecchymotic type; Ehlers Danlos syndrome, arterial type; Ehlers Danlos syndrome, Sack-Barabas type; Ehlers-Danlos Syndrome Type IV. Identifiers: Orphanet 286, MedGen C0268338, MONDO:0017314, OMIM 130050.
Familial thoracic aortic aneurysm and aortic dissection (TAAD). Also called: Thoracic aortic aneurysms and dissections. Identifiers: Orphanet 91387, MedGen C4707243, MONDO:0019625.

Allele frequency attached by ClinVar (database versions not stated): ExAC 0.00001; gnomAD 0.00001; gnomAD exomes 0.00001; TOPMed 0.00001.
gnomAD v4.1: 14 of 1,607,116 alleles (0.00087%); highest among the groups gnomAD compares: Middle Eastern, 0.017%; no homozygotes.

Submissions (4):

Labcorp Genetics (formerly Invitae), Labcorp
Classification: Likely benign for Ehlers-Danlos syndrome, type 4. Last evaluated: 2025-08-09. Review status: criteria provided, single submitter. Criteria: Invitae Variant Classification Sherloc (09022015). Collection method: clinical testing. Allele origin: germline.

Blueprint Genetics
Classification: Likely benign. Last evaluated: 2024-04-26. Review status: criteria provided, single submitter. Criteria: ACMG Guidelines, 2015. Collection method: clinical testing. Allele origin: germline.

All of Us Research Program, National Institutes of Health
Classification: Likely benign for Ehlers-Danlos syndrome, type 4. Last evaluated: 2023-06-15. Review status: criteria provided, single submitter. Criteria: ACMG Guidelines, 2015. Collection method: clinical testing. Allele origin: germline. Inheritance: Autosomal dominant inheritance. Observed: 5 variant alleles, 5 heterozygotes.
Comment: This study involves interpretation of variants in research participants for the purpose of population health screening. Participant phenotype was not available at the time of variant classification. Additional details can be found in publication PMID: 35346344, PMCID: PMC8962531

Color Diagnostics, LLC DBA Color Health
Classification: Likely benign for Familial thoracic aortic aneurysm and aortic dissection. Last evaluated: 2019-07-15. Review status: criteria provided, single submitter. Criteria: ACMG Guidelines, 2015. Collection method: clinical testing. Allele origin: germline.